The following is an entry in ClinVar:

ClinVar aggregate classification (germline): Uncertain significance (1 of 4 stars; one submission).

Conditions:
Spermatogenic failure 18. Identifiers: MedGen C4539783, MONDO:0054615, OMIM 617576.
Ciliary dyskinesia, primary, 37 (CILD37). Also called: CILIARY DYSKINESIA, PRIMARY, 37, WITH OR WITHOUT SITUS INVERSUS. Identifiers: MedGen C4539798, MONDO:0033204, OMIM 617577.

Allele frequency attached by ClinVar (database versions not stated): gnomAD 0.00002 and 0.00001; TOPMed 0.00001; gnomAD exomes 0.00002; ExAC 0.00001.
gnomAD v4.1: 21 of 1,613,938 alleles (0.0013%); highest among the groups gnomAD compares: Admixed American, 0.013%; no homozygotes.

Submission:

Labcorp Genetics (formerly Invitae), Labcorp
Classification: Uncertain significance for Ciliary dyskinesia, primary, 37; Spermatogenic failure 18. Last evaluated: 2025-11-24. Review status: criteria provided, single submitter. Criteria: Invitae Variant Classification Sherloc (09022015). Collection method: clinical testing. Allele origin: germline.
Comment: This sequence change replaces methionine, which is neutral and non-polar, with valine, which is neutral and non-polar, at codon 600 of the DNAH1 protein (p.Met600Val). This variant is present in population databases (rs780334592, gnomAD 0.01%). This variant has not been reported in the literature in individuals affected with DNAH1-related conditions. ClinVar contains an entry for this variant (Variation ID: 1352473). Invitae Evidence Modeling of protein sequence and biophysical properties (such as structural, functional, and spatial information, amino acid conservation, physicochemical variation, residue mobility, and thermodynamic stability) indicates that this missense variant is not expected to disrupt DNAH1 protein function with a negative predictive value of 80%. In summary, the available evidence is currently insufficient to determine the role of this variant in disease. Therefore, it has been classified as a Variant of Uncertain Significance.

NM_015512.5(DNAH1):c.1798A>G (p.Met600Val)

Gene: DNAH1 (dynein axonemal heavy chain 1; plus strand). Cytogenetic location: 3p21.1.
Variant type: single nucleotide variant.
Coding change: c.1798A>G on transcript NM_015512.5 (MANE Select); coding-DNA position 1798, A replaced by G.
Protein change: p.Met600Val; replaces methionine 600 with valine.
Molecular consequence: missense variant.
Genome position (GRCh38, 1-based): chr3:52,346,613, A>G. VCF-style: chr3-52346613-A-G. GRCh37 (hg19) VCF-style: chr3-52380629-A-G.
Other names: short protein forms M600V.
Identifiers: ClinVar variation 1352473 (VCV001352473.7), dbSNP rs780334592, ClinGen allele CA2433054.
Genomic context (GRCh38, chr3:52,346,613, plus strand): 5'-TGGTACAACCTCTACGAGACCAACTGGGAGGTGTACCTCATGTCCAAGCTGCGCAAGCTG[A>G]TGGAGCTGGTGAAGTACATGCTGCAGGACACACTGCGCTTCCTGGTGCAGGACTCACTTG-3'
Protein context (NP_056327.4, residues 590-610): VYLMSKLRKL[Met600Val]ELVKYMLQDT